The following is an entry in ClinVar:

NM_024422.6(DSC2):c.634A>G (p.Ile212Val)

Gene: DSC2 (desmocollin 2; minus strand). Cytogenetic location: 18q12.1.
Variant type: single nucleotide variant.
Coding change: c.634A>G on transcript NM_024422.6 (MANE Select); coding-DNA position 634, A replaced by G.
Protein change: p.Ile212Val; replaces isoleucine 212 with valine.
Molecular consequence: missense variant.
Genome position (GRCh38, 1-based): chr18:31,087,810, T>C on the plus strand (A>G on the coding strand, the complement: DSC2 is on the minus strand). VCF-style: chr18-31087810-T-C. GRCh37 (hg19) VCF-style: chr18-28667773-T-C.
Other names: c.634A>G (NM_024422.3); c.205A>G, p.Ile69Val (NM_001406506.1, NM_001406507.1); c.634A>G, p.Ile212Val (NM_004949.5); short protein forms I212V, I69V.
Identifiers: ClinVar variation 2200540 (VCV002200540.5), dbSNP rs779011052, ClinGen allele CA039208.

ClinVar aggregate classification (germline): Conflicting classifications of pathogenicity. Review status: criteria provided, conflicting classifications (1 of 4 stars). 2 submissions from 2 submitters: Uncertain significance (1); Likely benign (1). Last evaluated 2024-09-02.

Conditions:
Cardiovascular phenotype. Identifiers: MedGen CN230736.
Arrhythmogenic right ventricular dysplasia 11. Also called: Arrhythmogenic right ventricular dysplasia 11 with mild palmoplantar keratoderma and woolly hair; Arrhythmogenic Right Ventricular Dysplasia/Cardiomyopathy11; ARRHYTHMOGENIC RIGHT VENTRICULAR DYSPLASIA, FAMILIAL, 11. Identifiers: MedGen C1864850, MONDO:0012506, OMIM 610476.

Allele frequency attached by ClinVar (database versions not stated): gnomAD exomes 0.00001; TOPMed 0.00001; ExAC 0.00002.
gnomAD v4.1: 3 of 1,613,686 alleles (0.00019%); highest among the groups gnomAD compares: Admixed American, 0.005%; no homozygotes.

Submissions (2):

Ambry Genetics
Classification: Likely benign for Cardiovascular phenotype. Last evaluated: 2024-09-02. Review status: criteria provided, single submitter. Criteria: Ambry Variant Classification Scheme 2023. Collection method: clinical testing. Allele origin: germline.

Labcorp Genetics (formerly Invitae), Labcorp
Classification: Uncertain significance for Arrhythmogenic right ventricular dysplasia 11. Last evaluated: 2022-07-29. Review status: criteria provided, single submitter. Criteria: Invitae Variant Classification Sherloc (09022015). Collection method: clinical testing. Allele origin: germline.
Comment: This sequence change replaces isoleucine, which is neutral and non-polar, with valine, which is neutral and non-polar, at codon 212 of the DSC2 protein (p.Ile212Val). This variant is present in population databases (rs779011052, gnomAD 0.009%). This variant has not been reported in the literature in individuals affected with DSC2-related conditions. Algorithms developed to predict the effect of missense changes on protein structure and function output the following: SIFT: "Tolerated"; PolyPhen-2: "Benign"; Align-GVGD: "Class C0". The valine amino acid residue is found in multiple mammalian species, which suggests that this missense change does not adversely affect protein function. Algorithms developed to predict the effect of sequence changes on RNA splicing suggest that this variant may create or strengthen a splice site. In summary, the available evidence is currently insufficient to determine the role of this variant in disease. Therefore, it has been classified as a Variant of Uncertain Significance.